The following is an entry in ClinVar:

NM_016111.4(TELO2):c.934-3C>T

Gene: TELO2 (telomere maintenance 2; plus strand). Cytogenetic location: 16p13.3.
Variant type: single nucleotide variant.
Coding change: c.934-3C>T on transcript NM_016111.4 (MANE Select); 3 bases into the intron before coding-DNA position 934, C replaced by T.
Molecular consequence: intron variant.
Genome position (GRCh38, 1-based): chr16:1,500,093, C>T. VCF-style: chr16-1500093-C-T. GRCh37 (hg19) VCF-style: chr16-1550094-C-T.
Other names: c.934-3C>T (NM_001351846.2).
Identifiers: ClinVar variation 1969685 (VCV001969685.5), dbSNP rs2039621834, ClinGen allele CA2201683991.

ClinVar aggregate classification (germline): Uncertain significance (1 of 4 stars; one submission).

Allele frequency attached by ClinVar (database versions not stated): gnomAD exomes below 0.00001; TOPMed 0.00001.

Submission:

Labcorp Genetics (formerly Invitae), Labcorp
Classification: Uncertain significance. Last evaluated: 2022-06-24. Review status: criteria provided, single submitter. Criteria: Invitae Variant Classification Sherloc (09022015). Collection method: clinical testing. Allele origin: germline.
Comment: In summary, the available evidence is currently insufficient to determine the role of this variant in disease. Therefore, it has been classified as a Variant of Uncertain Significance. Variants that disrupt the consensus splice site are a relatively common cause of aberrant splicing (PMID: 17576681, 9536098). Algorithms developed to predict the effect of sequence changes on RNA splicing suggest that this variant is not likely to affect RNA splicing. This variant has not been reported in the literature in individuals affected with TELO2-related conditions. This variant is not present in population databases (gnomAD no frequency). This sequence change falls in intron 6 of the TELO2 gene. It does not directly change the encoded amino acid sequence of the TELO2 protein. It affects a nucleotide within the consensus splice site.

Literature cited by the submitters: PubMed 17576681; PubMed 9536098.